The following is an entry in ClinVar:

NM_177550.5(SLC13A5):c.840-115G>A

Gene: SLC13A5 (solute carrier family 13 member 5; minus strand). Cytogenetic location: 17p13.1.
Variant type: single nucleotide variant.
Coding change: c.840-115G>A on transcript NM_177550.5 (MANE Select); 115 bases into the intron before coding-DNA position 840, G replaced by A.
Molecular consequence: intron variant.
Genome position (GRCh38, 1-based): chr17:6,696,056, C>T on the plus strand (G>A on the coding strand, the complement: SLC13A5 is on the minus strand). VCF-style: chr17-6696056-C-T. GRCh37 (hg19) VCF-style: chr17-6599375-C-T.
Other names: c.711-115G>A (NM_001284510.2); c.789-115G>A (NM_001284509.2); c.840-115G>A (NM_001143838.3).
Identifiers: ClinVar variation 673996 (VCV000673996.1), dbSNP rs73976250, ClinGen allele CA14459737.

ClinVar aggregate classification (germline): Benign (1 of 4 stars; one submission).

Allele frequency attached by ClinVar (database versions not stated): gnomAD exomes 0.02452; gnomAD 0.05967 and 0.06264; 1000 Genomes Project 0.06070; 1000 Genomes Project 30x 0.06309; TOPMed 0.06567.

Submission:

GeneDx
Classification: Benign. Last evaluated: 2018-06-14. Review status: criteria provided, single submitter. Criteria: GeneDx Variant Classification (06012015). Collection method: clinical testing. Allele origin: germline. Affected: yes.
Comment: This variant is considered likely benign or benign based on one or more of the following criteria: it is a conservative change, it occurs at a poorly conserved position in the protein, it is predicted to be benign by multiple in silico algorithms, and/or has population frequency not consistent with disease.